The following is an entry in ClinVar:

NM_001127222.2(CACNA1A):c.3530C>T (p.Pro1177Leu)

Gene: CACNA1A (calcium voltage-gated channel subunit alpha1 A; minus strand). Cytogenetic location: 19p13.13.
Variant type: single nucleotide variant.
Coding change: c.3530C>T on transcript NM_001127222.2 (MANE Select); coding-DNA position 3530, C replaced by T.
Protein change: p.Pro1177Leu; replaces proline 1177 with leucine.
Molecular consequence: missense variant.
Genome position (GRCh38, 1-based): chr19:13,286,526, G>A on the plus strand (C>T on the coding strand, the complement: CACNA1A is on the minus strand). VCF-style: chr19-13286526-G-A. GRCh37 (hg19) VCF-style: chr19-13397340-G-A.
Other names: c.3542C>T, p.Pro1181Leu (NM_000068.4, NM_023035.3); c.3533C>T, p.Pro1178Leu (NM_001127221.2, NM_001174080.2); short protein forms P1181L, P1178L, P1177L.
Identifiers: ClinVar variation 1027686 (VCV001027686.11), dbSNP rs201789073, ClinGen allele CA9240299.
Genomic context (GRCh38, chr19:13,286,526, plus strand): 5'-GTCCCCTGCCCAGTGATGTGAGAGCAGAGGGTCTCACCTTGTACGACGGTGTGGTTGAGG[G>A]GGGGTGGGCAGGCTGGGGGGATGTCCACTGTGGTGTGGTCGGGTTTCCTGGCAGTCTTAG-3'
Protein context (NP_001120694.1, residues 1167-1187): TVDIPPACPP[Pro1177Leu]LNHTVVQVNK

ClinVar aggregate classification (germline): Conflicting classifications of pathogenicity. Review status: criteria provided, conflicting classifications (1 of 4 stars). 3 submissions from 3 submitters: Uncertain significance (2); Likely benign (1). Last evaluated 2026-06-01.

Conditions:
Episodic ataxia type 2 (EA2). Also called: CEREBELLAR ATAXIA, PAROXYSMAL, ACETAZOLAMIDE-RESPONSIVE; CEREBELLOPATHY, HEREDITARY PAROXYSMAL; EPISODIC ATAXIA, NYSTAGMUS-ASSOCIATED; ACETAZOLAMIDE-RESPONSIVE HEREDITARY PAROXYSMAL CEREBELLAR ATAXIA; ATAXIA, EPISODIC, WITH NYSTAGMUS; ATAXIA, FAMILIAL PAROXYSMAL. Identifiers: Orphanet 97, MedGen C1720416, MONDO:0007163, OMIM 108500.
Developmental and epileptic encephalopathy, 42 (DEE42A). Also called: Epileptic encephalopathy, early infantile, 42; DEVELOPMENTAL AND EPILEPTIC ENCEPHALOPATHY 42A; EPILEPTIC ENCEPHALOPATHY, EARLY INFANTILE, 42A. Identifiers: MedGen C4310716, MONDO:0014917, OMIM 617106.

Allele frequency attached by ClinVar (database versions not stated): TOPMed 0.00002.
gnomAD v4.1: 11 of 1,494,738 alleles (0.00074%); highest among the groups gnomAD compares: African/African-American, 0.0084%; no homozygotes.

Submissions (3):

CeGaT Center for Human Genetics Tuebingen
Classification: Uncertain significance. Last evaluated: 2026-06-01. Review status: criteria provided, single submitter. Criteria: CeGaT Center For Human Genetics Tuebingen Variant Classification Criteria Version 2. Collection method: clinical testing. Allele origin: germline. Affected: yes. Observed: 1 variant allele.
Comment: CACNA1A: PM2:Supporting

Labcorp Genetics (formerly Invitae), Labcorp
Classification: Likely benign for Developmental and epileptic encephalopathy, 42; Episodic ataxia type 2. Last evaluated: 2025-12-21. Review status: criteria provided, single submitter. Criteria: Invitae Variant Classification Sherloc (09022015). Collection method: clinical testing. Allele origin: germline.

Baylor Genetics
Classification: Uncertain significance for Episodic ataxia type 2. Last evaluated: 2020-11-03. Review status: criteria provided, single submitter. Criteria: ACMG Guidelines, 2015. Collection method: clinical testing. Allele origin: unknown. Affected: yes.
Comment: This variant was determined to be of uncertain significance according to ACMG Guidelines, 2015 [PMID:25741868].